The following is an entry in ClinVar:

NM_000393.5(COL5A2):c.1684C>G (p.Arg562Gly)

Gene: COL5A2 (collagen type V alpha 2 chain; minus strand). Cytogenetic location: 2q32.2.
Variant type: single nucleotide variant.
Coding change: c.1684C>G on transcript NM_000393.5 (MANE Select); coding-DNA position 1684, C replaced by G.
Protein change: p.Arg562Gly; replaces arginine 562 with glycine.
Molecular consequence: missense variant.
Genome position (GRCh38, 1-based): chr2:189,064,589, G>C on the plus strand (C>G on the coding strand, the complement: COL5A2 is on the minus strand). VCF-style: chr2-189064589-G-C. GRCh37 (hg19) VCF-style: chr2-189929315-G-C.
Other names: short protein forms R562G.
Identifiers: ClinVar variation 2760745 (VCV002760745.3), dbSNP rs2469300589, ClinGen allele CA349850529.

ClinVar aggregate classification (germline): Uncertain significance (1 of 4 stars; one submission).

Conditions:
Ehlers-Danlos syndrome, classic type, 1 (EDSCL1). Also called: EHLERS-DANLOS SYNDROME, GRAVIS TYPE; EHLERS-DANLOS SYNDROME, SEVERE CLASSIC TYPE; Ehlers-Danlos syndrome, type 1; Ehlers-Danlos Syndrome, Classic Type, COL5A1-Related; EDS I. Identifiers: MedGen C0268335, MONDO:0019567, OMIM 130000.

Submission:

Labcorp Genetics (formerly Invitae), Labcorp
Classification: Uncertain significance for Ehlers-Danlos syndrome, classic type, 1. Last evaluated: 2025-05-19. Review status: criteria provided, single submitter. Criteria: Invitae Variant Classification Sherloc (09022015). Collection method: clinical testing. Allele origin: germline.
Comment: This sequence change replaces arginine, which is basic and polar, with glycine, which is neutral and non-polar, at codon 562 of the COL5A2 protein (p.Arg562Gly). This variant is not present in population databases (gnomAD no frequency). This variant has not been reported in the literature in individuals affected with COL5A2-related conditions. ClinVar contains an entry for this variant (Variation ID: 2760745). Invitae Evidence Modeling of protein sequence and biophysical properties (such as structural, functional, and spatial information, amino acid conservation, physicochemical variation, residue mobility, and thermodynamic stability) indicates that this missense variant is not expected to disrupt COL5A2 protein function with a negative predictive value of 80%. In summary, the available evidence is currently insufficient to determine the role of this variant in disease. Therefore, it has been classified as a Variant of Uncertain Significance.